The following is an entry in ClinVar:

ClinVar aggregate classification (germline): Uncertain significance. Review status: criteria provided, multiple submitters, no conflicts (2 of 4 stars). 3 submissions from 3 submitters: Uncertain significance (3). Last evaluated 2026-06-15.

Conditions:
Autosomal dominant nocturnal frontal lobe epilepsy 3. Also called: CHRNB2-Related Nocturnal Frontal Lobe Epilepsy, Autosomal Dominant. Identifiers: Orphanet 98784, MedGen C1854335, MONDO:0011545, OMIM 605375.
Familial sleep-related hypermotor epilepsy. Also called: Autosomal Dominant Sleep-Related Hypermotor (Hyperkinetic) Epilepsy. Identifiers: Orphanet 98784, MedGen C3696898, MONDO:0000030.

Allele frequency attached by ClinVar (database versions not stated): gnomAD exomes below 0.00001; TOPMed 0.00001.
gnomAD v4.1: 1 of 1,612,980 alleles (0.000062%); highest among the groups gnomAD compares: African/African-American, 0.0013%; no homozygotes.

Submissions (3):

Women's Health and Genetics/Laboratory Corporation of America, LabCorp
Classification: Uncertain significance. Last evaluated: 2026-06-15. Review status: criteria provided, single submitter. Criteria: LabCorp Variant Classification Summary - May 2015. Collection method: clinical testing. Allele origin: germline.
Comment: Variant summary: CHRNB2 c.301A>G (p.Asn101Asp) results in a conservative amino acid change in the encoded protein sequence. Algorithms developed to predict the effect of missense changes on protein structure and function all suggest that this variant is likely to be tolerated. The variant allele was found at a frequency of 4e-06 in 249452 control chromosomes. The available data on variant occurrences in the general population are insufficient to allow any conclusion about variant significance. To our knowledge, no occurrence of c.301A>G in individuals affected with CHRNB2-related conditions and no experimental evidence demonstrating its impact on protein function have been reported. ClinVar contains an entry for this variant (Variation ID: 941561). Based on the evidence outlined above, the variant was classified as uncertain significance.

Labcorp Genetics (formerly Invitae), Labcorp
Classification: Uncertain significance. Last evaluated: 2024-06-17. Review status: criteria provided, single submitter. Criteria: Invitae Variant Classification Sherloc (09022015). Collection method: clinical testing. Allele origin: germline.
Comment: This sequence change replaces asparagine, which is neutral and polar, with aspartic acid, which is acidic and polar, at codon 101 of the CHRNB2 protein (p.Asn101Asp). This variant is present in population databases (no rsID available, gnomAD 0.007%). This variant has not been reported in the literature in individuals affected with CHRNB2-related conditions. ClinVar contains an entry for this variant (Variation ID: 941561). Advanced modeling of protein sequence and biophysical properties (such as structural, functional, and spatial information, amino acid conservation, physicochemical variation, residue mobility, and thermodynamic stability) performed at Invitae indicates that this missense variant is not expected to disrupt CHRNB2 protein function with a negative predictive value of 80%. In summary, the available evidence is currently insufficient to determine the role of this variant in disease. Therefore, it has been classified as a Variant of Uncertain Significance.

Fulgent Genetics
Classification: Uncertain significance for Autosomal dominant nocturnal frontal lobe epilepsy 3. Last evaluated: 2024-01-09. Review status: criteria provided, single submitter. Criteria: ACMG Guidelines, 2015. Collection method: clinical testing. Allele origin: germline.

NM_000748.3(CHRNB2):c.301A>G (p.Asn101Asp)

Gene: CHRNB2 (cholinergic receptor nicotinic beta 2 subunit; plus strand). Cytogenetic location: 1q21.3.
Variant type: single nucleotide variant.
Coding change: c.301A>G on transcript NM_000748.3 (MANE Select); coding-DNA position 301, A replaced by G.
Protein change: p.Asn101Asp; replaces asparagine 101 with aspartic acid.
Molecular consequence: missense variant.
Genome position (GRCh38, 1-based): chr1:154,570,303, A>G. VCF-style: chr1-154570303-A-G. GRCh37 (hg19) VCF-style: chr1-154542779-A-G.
Other names: short protein forms N101D.
Identifiers: ClinVar variation 941561 (VCV000941561.9), dbSNP rs929185848, ClinGen allele CA30833475.
Genomic context (GRCh38, chr1:154,570,303, plus strand): 5'-TCTCTCATTTCCCAGGAGTGGGAAGATTATCGCCTCACCTGGAAGCCTGAAGAGTTTGAC[A>G]ACATGAAGAAAGTTCGGCTCCCTTCCAAACACATCTGGCTCCCAGATGTGGTCCTGTACA-3'
Protein context (NP_000739.1, residues 91-111): RLTWKPEEFD[Asn101Asp]MKKVRLPSKH